The following is an entry in ClinVar:

NM_000400.4(ERCC2):c.1505T>A (p.Val502Glu)

Gene: ERCC2 (ERCC excision repair 2, TFIIH core complex helicase subunit; minus strand). Cytogenetic location: 19q13.32.
Variant type: single nucleotide variant.
Coding change: c.1505T>A on transcript NM_000400.4 (MANE Select); coding-DNA position 1505, T replaced by A.
Protein change: p.Val502Glu; replaces valine 502 with glutamic acid.
Molecular consequence: missense variant.
Genome position (GRCh38, 1-based): chr19:45,355,703, A>T on the plus strand (T>A on the coding strand, the complement: ERCC2 is on the minus strand). VCF-style: chr19-45355703-A-T. GRCh37 (hg19) VCF-style: chr19-45858961-A-T.
Other names: short protein forms V502E.
Identifiers: ClinVar variation 1774080 (VCV001774080.2), dbSNP rs1370766746, ClinGen allele CA406365905.
Genomic context (GRCh38, chr19:45,355,703, plus strand): 5'-ACCAGCCCCACTGGCAGCATACCAATATCCTCCCGGGTCTCAAATTTGGAGCTGATGGCC[A>T]CCTGGTCATTGCCACGGCCGATGATCTGGAGAGCAACAGAGGTCACGATAAGCGAGGCAG-3'
Protein context (NP_000391.1, residues 492-512): PMIIGRGNDQ[Val502Glu]AISSKFETRE

ClinVar aggregate classification (germline): Uncertain significance (1 of 4 stars; one submission).

Conditions:
Inborn genetic diseases. Identifiers: MedGen C0950123, MeSH D030342.

Submission:

Ambry Genetics
Classification: Uncertain significance for Inborn genetic diseases. Last evaluated: 2021-07-05. Review status: criteria provided, single submitter. Criteria: Ambry Variant Classification Scheme 2023. Collection method: clinical testing. Allele origin: germline.
Comment: The p.V502E variant (also known as c.1505T>A), located in coding exon 16 of the ERCC2 gene, results from a T to A substitution at nucleotide position 1505. The valine at codon 502 is replaced by glutamic acid, an amino acid with dissimilar properties. This amino acid position is conserved. In addition, this alteration is predicted to be deleterious by in silico analysis. Since supporting evidence is limited at this time, the clinical significance of this alteration remains unclear.